The following is an entry in ClinVar:

NM_001166108.2(PALLD):c.1965-12865C>A

Gene: PALLD (palladin, cytoskeletal associated protein; plus strand). Cytogenetic location: 4q32.3.
Variant type: single nucleotide variant.
Coding change: c.1965-12865C>A on transcript NM_001166108.2 (MANE Select); 12865 bases into the intron before coding-DNA position 1965, C replaced by A.
Molecular consequence: intron variant. On other transcripts: missense variant (1).
Genome position (GRCh38, 1-based): chr4:168,878,057, C>A. VCF-style: chr4-168878057-C-A. GRCh37 (hg19) VCF-style: chr4-169799208-C-A.
Other names: c.166C>A, p.Pro56Thr (NM_001166110.2); c.1965-12865C>A (NM_016081.4); c.819-12865C>A (NM_001166109.2); c.-157-12865C>A (NM_001367570.1, NM_001367568.1, NM_001367567.1 and 1 more transcripts); short protein forms P56T.
Identifiers: ClinVar variation 3413702 (VCV003413702.1).
Genomic context (GRCh38, chr4:168,878,057, plus strand): 5'-TCGGGCCACGGCACGCCGGCCTCCAGCCCCAGCTCGTCCAGCCTCCCGTCGCCCATGTCC[C>A]CGACGCCGAGGCAGTTCGGCCGCGCCCCCGTGCCGCCCTTCGCGCAGCCCTTCGGCGCTG-3'

ClinVar aggregate classification (germline): Uncertain significance (1 of 4 stars; one submission).

gnomAD v4.1: 3 of 1,480,158 alleles (0.0002%); highest among the groups gnomAD compares: Non-Finnish European, 0.00027%; no homozygotes.

Submission:

Ambry Genetics
Classification: Uncertain significance. Last evaluated: 2024-11-25. Review status: criteria provided, single submitter. Criteria: Ambry Variant Classification Scheme 2023. Collection method: clinical testing. Allele origin: germline.
Comment: The p.P56T variant (also known as c.166C>A), located in coding exon 1 of the PALLD gene, results from a C to A substitution at nucleotide position 166. The proline at codon 56 is replaced by threonine, an amino acid with highly similar properties. This amino acid position is conserved. In addition, this alteration is predicted to be tolerated by in silico analysis. Based on the available evidence, the clinical significance of this variant remains unclear.